The following is an entry in ClinVar:

ClinVar aggregate classification (germline): Uncertain significance. Review status: reviewed by expert panel (3 of 4 stars). 2 submissions from 2 submitters: Uncertain significance (1). 1 of the submissions does not count toward it. Last evaluated 2025-01-15.

Conditions:
Hereditary thrombocytopenia and hematologic cancer predisposition syndrome. Identifiers: Orphanet 71290, MedGen CN281654, MONDO:0011071.
Hereditary thrombocytopenia and hematological cancer predisposition syndrome associated with RUNX1. Also called: PLATELET DISORDER, ASPIRIN-LIKE; RUNX1 Familial Platelet Disorder with Associated Myeloid Malignancies; Familial Platelet Disorder with Propensity to Acute Myelogenous Leukemia; Familial thrombocytopenia with propensity to acute myelogenous leukemia. Identifiers: Orphanet 71290, MedGen C1832388, MeSH C563324, MONDO:0100083, OMIM 601399.

Allele frequency attached by ClinVar (database versions not stated): gnomAD exomes 0.00001.
gnomAD v4.1: 1 of 231,156 alleles (0.00043%); highest among the groups gnomAD compares: East Asian, 0.0061%; no homozygotes.

Submissions (2):

ClinGen Myeloid Malignancy Variant Curation Expert Panel
Classification: Uncertain significance for Hereditary thrombocytopenia and hematologic cancer predisposition syndrome. Last evaluated: 2025-01-15. Review status: reviewed by expert panel. Criteria: ClinGen MyeloMalig ACMG Specifications v2. Collection method: curation. Allele origin: germline. Inheritance: Autosomal dominant inheritance.
Comment: NM_001754.5(RUNX1):c.*463C>T is a 3' UTR variant which does not meet any ACMG/AMP criteria. In summary, the clinical significance of this variant is uncertain. ACMG/AMP criteria applied, as specified by the Myeloid Malignancy Variant Curation Expert Panel for RUNX1: None.

Illumina Laboratory Services, Illumina
Classification: Uncertain significance for Hereditary thrombocytopenia and hematological cancer predisposition syndrome associated with RUNX1. Last evaluated: 2018-01-13. Review status: criteria provided, single submitter. Criteria: ICSL Variant Classification Criteria 13 December 2019. Collection method: clinical testing. Allele origin: germline. Not counted in ClinVar's aggregate classification.

NM_001754.5(RUNX1):c.*463C>T

Gene: RUNX1 (RUNX family transcription factor 1; minus strand). Cytogenetic location: 21q22.12.
Variant type: single nucleotide variant.
Coding change: c.*463C>T on transcript NM_001754.5 (MANE Select); 463 bases downstream of the stop codon, C replaced by T.
Molecular consequence: 3 prime UTR variant.
Genome position (GRCh38, 1-based): chr21:34,791,672, G>A on the plus strand (C>T on the coding strand, the complement: RUNX1 is on the minus strand). VCF-style: chr21-34791672-G-A. GRCh37 (hg19) VCF-style: chr21-36163969-G-A.
Other names: c.*463C>T (NM_001001890.3).
Identifiers: ClinVar variation 897696 (VCV000897696.5), dbSNP rs1601330615, ClinGen allele CA1139666834.